The following is an entry in ClinVar:

ClinVar aggregate classification (germline): Uncertain significance (1 of 4 stars; one submission).

gnomAD v4.1: 1 of 1,613,878 alleles (0.000062%); highest among the groups gnomAD compares: Non-Finnish European, 0.000085%; no homozygotes.

Submission:

Women's Health and Genetics/Laboratory Corporation of America, LabCorp
Classification: Uncertain significance. Last evaluated: 2026-01-06. Review status: criteria provided, single submitter. Criteria: LabCorp Variant Classification Summary - May 2015. Collection method: clinical testing. Allele origin: germline.
Comment: Variant summary: CD3E c.567G>A (p.Glu189Glu) alters a conserved nucleotide located close to a canonical splice site and therefore could affect mRNA splicing, leading to a significantly altered protein sequence. Several computational tools predict a significant impact on normal splicing: Two predict the variant abolishes a 5' splicing donor site. Three predict the variant weakens a 5' donor site. However, these predictions have yet to be confirmed by functional studies. The variant allele was found at a frequency of 4e-06 in 251014 control chromosomes. The available data on variant occurrences in the general population are insufficient to allow any conclusion about variant significance. To our knowledge, no occurrence of c.567G>A in individuals affected with CD3E-related conditions and no experimental evidence demonstrating its impact on protein function have been reported. No submitters have cited clinical-significance assessments for this variant to ClinVar. Based on the evidence outlined above, the variant was classified as uncertain significance.

NM_000733.4(CD3E):c.567G>A (p.Glu189=)

Gene: CD3E (CD3 epsilon subunit of T-cell receptor complex; plus strand). Cytogenetic location: 11q23.3.
Variant type: single nucleotide variant.
Coding change: c.567G>A on transcript NM_000733.4 (MANE Select); coding-DNA position 567, G replaced by A.
Protein change: p.Glu189=; no amino-acid change (glutamic acid 189 retained).
Molecular consequence: synonymous variant.
Genome position (GRCh38, 1-based): chr11:118,314,494, G>A. VCF-style: chr11-118314494-G-A. GRCh37 (hg19) VCF-style: chr11-118185209-G-A.
Identifiers: ClinVar variation 4689608 (VCV004689608.1).